The following is an entry in ClinVar:

NM_174934.4(SCN4B):c.239T>C (p.Ile80Thr)

Genes: SCN4B (sodium voltage-gated channel beta subunit 4; minus strand), LOC126861356 (BRD4-independent group 4 enhancer GRCh37_chr11:118014519-118015718; plus strand). Cytogenetic location: 11q23.3.
Variant type: single nucleotide variant.
Coding change: c.239T>C on transcript NM_174934.4 (MANE Select); coding-DNA position 239, T replaced by C.
Protein change: p.Ile80Thr; replaces isoleucine 80 with threonine.
Molecular consequence: missense variant. On other transcripts: 5 prime UTR variant (1), non-coding transcript variant (1), intron variant (1).
Genome position (GRCh38, 1-based): chr11:118,144,057, A>G on the plus strand (T>C on the coding strand, the complement: SCN4B is on the minus strand). VCF-style: chr11-118144057-A-G. GRCh37 (hg19) VCF-style: chr11-118014772-A-G.
Other names: c.-92T>C (NM_001142349.2); c.62-2721T>C (NM_001142348.2); short protein forms I80T.
Identifiers: ClinVar variation 242024 (VCV000242024.9), dbSNP rs546190140, ClinGen allele CA6300248.

ClinVar aggregate classification (germline): Uncertain significance (1 of 4 stars; one submission).

Conditions:
Long QT syndrome 10 (LQT10). Identifiers: Orphanet 101016, Orphanet 768, MedGen C2678484, MONDO:0012737, OMIM 611819.

Allele frequency attached by ClinVar (database versions not stated): gnomAD 0.00001; gnomAD exomes 0.00001 and 0.00002; ExAC 0.00002; 1000 Genomes Project 30x 0.00016; 1000 Genomes Project 0.00020.
gnomAD v4.1: 9 of 1,609,412 alleles (0.00056%); highest among the groups gnomAD compares: East Asian, 0.0089%; no homozygotes.

Submission:

Labcorp Genetics (formerly Invitae), Labcorp
Classification: Uncertain significance for Long QT syndrome 10. Last evaluated: 2024-08-13. Review status: criteria provided, single submitter. Criteria: Invitae Variant Classification Sherloc (09022015). Collection method: clinical testing. Allele origin: germline.
Comment: This sequence change replaces isoleucine, which is neutral and non-polar, with threonine, which is neutral and polar, at codon 80 of the SCN4B protein (p.Ile80Thr). This variant is present in population databases (rs546190140, gnomAD 0.02%). This variant has not been reported in the literature in individuals affected with SCN4B-related conditions. ClinVar contains an entry for this variant (Variation ID: 242024). An algorithm developed to predict the effect of missense changes on protein structure and function (PolyPhen-2) suggests that this variant is likely to be tolerated. In summary, the available evidence is currently insufficient to determine the role of this variant in disease. Therefore, it has been classified as a Variant of Uncertain Significance.